The following is an entry in ClinVar:

NM_000179.3(MSH6):c.3052C>A (p.Leu1018Ile)

Gene: MSH6 (mutS homolog 6; plus strand). Cytogenetic location: 2p16.3.
Variant type: single nucleotide variant.
Coding change: c.3052C>A on transcript NM_000179.3 (MANE Select); coding-DNA position 3052, C replaced by A.
Protein change: p.Leu1018Ile; replaces leucine 1018 with isoleucine.
Molecular consequence: missense variant.
Genome position (GRCh38, 1-based): chr2:47,801,035, C>A. VCF-style: chr2-47801035-C-A. GRCh37 (hg19) VCF-style: chr2-48028174-C-A.
Other names: c.2662C>A, p.Leu888Ile (NM_001281492.2); c.2146C>A, p.Leu716Ile (NM_001281493.2, NM_001281494.2); short protein forms L1018I, L716I, L888I.
Identifiers: ClinVar variation 237174 (VCV000237174.15), dbSNP rs878853727, ClinGen allele CA10582075.

ClinVar aggregate classification (germline): Uncertain significance. Review status: criteria provided, multiple submitters, no conflicts (2 of 4 stars). 3 submissions from 3 submitters: Uncertain significance (3). Last evaluated 2025-02-27.

Conditions:
Hereditary nonpolyposis colorectal neoplasms. Identifiers: MedGen C0009405, MeSH D003123.
Hereditary cancer-predisposing syndrome. Also called: Hereditary neoplastic syndrome; Hereditary Cancer Syndrome; Neoplastic Syndromes, Hereditary; Tumor predisposition. Identifiers: Orphanet 140162, MedGen C0027672, MeSH D009386, MONDO:0015356.

gnomAD v4.1: 5 of 1,585,890 alleles (0.00032%); highest among the groups gnomAD compares: South Asian, 0.0012%; no homozygotes.

Submissions (3):

Labcorp Genetics (formerly Invitae), Labcorp
Classification: Uncertain significance for Hereditary nonpolyposis colorectal neoplasms. Last evaluated: 2025-02-27. Review status: criteria provided, single submitter. Criteria: Invitae Variant Classification Sherloc (09022015). Collection method: clinical testing. Allele origin: germline.
Comment: This sequence change replaces leucine, which is neutral and non-polar, with isoleucine, which is neutral and non-polar, at codon 1018 of the MSH6 protein (p.Leu1018Ile). This variant is not present in population databases (gnomAD no frequency). This variant has not been reported in the literature in individuals affected with MSH6-related conditions. ClinVar contains an entry for this variant (Variation ID: 237174). Invitae Evidence Modeling of protein sequence and biophysical properties (such as structural, functional, and spatial information, amino acid conservation, physicochemical variation, residue mobility, and thermodynamic stability) indicates that this missense variant is not expected to disrupt MSH6 protein function with a negative predictive value of 95%. In summary, the available evidence is currently insufficient to determine the role of this variant in disease. Therefore, it has been classified as a Variant of Uncertain Significance.

Color Diagnostics, LLC DBA Color Health
Classification: Uncertain significance for Hereditary cancer-predisposing syndrome. Last evaluated: 2024-03-06. Review status: criteria provided, single submitter. Criteria: ACMG Guidelines, 2015. Collection method: clinical testing. Allele origin: germline.
Comment: This missense variant replaces leucine with isoleucine at codon 1018 of the MSH6 protein. Computational prediction is inconclusive regarding the impact of this variant on protein structure and function (internally defined REVEL score threshold 0.5 < inconclusive < 0.7, PMID: 27666373). To our knowledge, functional studies have not been reported for this variant. This variant has not been reported in individuals affected with hereditary cancer in the literature. This variant has not been identified in the general population by the Genome Aggregation Database (gnomAD). The available evidence is insufficient to determine the role of this variant in disease conclusively. Therefore, this variant is classified as a Variant of Uncertain Significance.

Ambry Genetics
Classification: Uncertain significance for Hereditary cancer-predisposing syndrome. Last evaluated: 2022-06-27. Review status: criteria provided, single submitter. Criteria: Ambry Variant Classification Scheme 2023. Collection method: clinical testing. Allele origin: germline.
Comment: The p.L1018I variant (also known as c.3052C>A), located in coding exon 4 of the MSH6 gene, results from a C to A substitution at nucleotide position 3052. The leucine at codon 1018 is replaced by isoleucine, an amino acid with highly similar properties. This amino acid position is conserved. In addition, the in silico prediction for this alteration is inconclusive. Since supporting evidence is limited at this time, the clinical significance of this alteration remains unclear.